The following is an entry in ClinVar:

NM_003482.4(KMT2D):c.10745G>A (p.Arg3582Gln)

Gene: KMT2D (lysine methyltransferase 2D; minus strand). Cytogenetic location: 12q13.12.
Variant type: single nucleotide variant.
Coding change: c.10745G>A on transcript NM_003482.4 (MANE Select); coding-DNA position 10745, G replaced by A.
Protein change: p.Arg3582Gln; replaces arginine 3582 with glutamine.
Molecular consequence: missense variant.
Genome position (GRCh38, 1-based): chr12:49,033,960, C>T on the plus strand (G>A on the coding strand, the complement: KMT2D is on the minus strand). VCF-style: chr12-49033960-C-T. GRCh37 (hg19) VCF-style: chr12-49427743-C-T.
Other names: R382Q; short protein forms R3582Q.
Identifiers: ClinVar variation 1398314 (VCV001398314.8), dbSNP rs2120449499, ClinGen allele CA384726634.

ClinVar aggregate classification (germline): Conflicting classifications of pathogenicity. Review status: criteria provided, conflicting classifications (1 of 4 stars). 3 submissions from 3 submitters: Pathogenic (1); Uncertain significance (1). 1 of the submissions does not count toward it. Last evaluated 2024-09-26.

Conditions:
Choanal atresia-athelia-hypothyroidism-delayed puberty-short stature syndrome (BCAHH). Also called: BRANCHIAL ARCH ABNORMALITIES, CHOANAL ATRESIA, ATHELIA, HEARING LOSS, AND HYPOTHYROIDISM SYNDROME. Identifiers: Orphanet 589856, MedGen C5680310, MONDO:0035651, OMIM 620186.
Kabuki syndrome. Also called: NIIKAWA-KUROKI SYNDROME; Kabuki make-up syndrome. Identifiers: Orphanet 2322, MedGen C0796004, MONDO:0016512.

Allele frequency attached by ClinVar (database versions not stated): gnomAD exomes below 0.00001.
gnomAD v4.1: 1 of 1,531,326 alleles (0.000065%); highest among the groups gnomAD compares: Non-Finnish European, 0.000088%; no homozygotes.

Submissions (3):

GeneDx
Classification: Pathogenic. Last evaluated: 2024-09-26. Review status: criteria provided, single submitter. Criteria: GeneDx Variant Classification Process June 2021. Collection method: clinical testing. Allele origin: germline.
Comment: In silico analysis supports that this missense variant has a deleterious effect on protein structure/function; Not observed at significant frequency in large population cohorts (gnomAD); This variant is associated with the following publications: (PMID: 31949313, 37010288, 35060672)

Labcorp Genetics (formerly Invitae), Labcorp
Classification: Uncertain significance for Kabuki syndrome. Last evaluated: 2022-07-25. Review status: criteria provided, single submitter. Criteria: Invitae Variant Classification Sherloc (09022015). Collection method: clinical testing. Allele origin: germline.
Comment: In summary, the available evidence is currently insufficient to determine the role of this variant in disease. Therefore, it has been classified as a Variant of Uncertain Significance. Advanced modeling of protein sequence and biophysical properties (such as structural, functional, and spatial information, amino acid conservation, physicochemical variation, residue mobility, and thermodynamic stability) performed at Invitae indicates that this missense variant is not expected to disrupt KMT2D protein function. ClinVar contains an entry for this variant (Variation ID: 1398314). This missense change has been observed in individual(s) with KMT2D-related conditions (PMID: 31949313). This variant is not present in population databases (gnomAD no frequency). This sequence change replaces arginine, which is basic and polar, with glutamine, which is neutral and polar, at codon 3582 of the KMT2D protein (p.Arg3582Gln).

OMIM
Classification: Pathogenic for BRANCHIAL ARCH ABNORMALITIES, CHOANAL ATRESIA, ATHELIA, HEARING LOSS, AND HYPOTHYROIDISM SYNDROME. Last evaluated: 2023-01-04. Review status: no assertion criteria provided. Collection method: literature only. Allele origin: germline. Not counted in ClinVar's aggregate classification.

Literature cited by the submitters: PubMed 31949313 (cited by Labcorp Genetics (formerly Invitae), Labcorp and OMIM).